The following is an entry in ClinVar:

NM_007194.4(CHEK2):c.487C>T (p.His163Tyr)

Gene: CHEK2 (checkpoint kinase 2; minus strand). Cytogenetic location: 22q12.1.
Variant type: single nucleotide variant.
Coding change: c.487C>T on transcript NM_007194.4 (MANE Select); coding-DNA position 487, C replaced by T.
Protein change: p.His163Tyr; replaces histidine 163 with tyrosine.
Molecular consequence: missense variant. On other transcripts: 5 prime UTR variant (2), intron variant (1).
Genome position (GRCh38, 1-based): chr22:28,725,082, G>A on the plus strand (C>T on the coding strand, the complement: CHEK2 is on the minus strand). VCF-style: chr22-28725082-G-A. GRCh37 (hg19) VCF-style: chr22-29121070-G-A.
Other names: c.616C>T, p.His206Tyr (NM_001005735.3, NM_001438294.1); c.-291C>T (NM_001257387.3); c.-177C>T (NM_001437942.1); c.580C>T, p.His194Tyr (NM_001438293.1, NM_001438295.1); c.487C>T, p.His163Tyr (NM_145862.3); c.445-159C>T (NM_001349956.3); short protein forms H194Y, H206Y, H163Y.
Identifiers: ClinVar variation 5034549 (VCV005034549.1).

ClinVar aggregate classification (germline): Uncertain significance (1 of 4 stars; one submission).

Conditions:
Hereditary cancer-predisposing syndrome. Also called: Hereditary Cancer Syndrome; Neoplastic Syndromes, Hereditary; Tumor predisposition; Hereditary neoplastic syndrome. Identifiers: Orphanet 140162, MedGen C0027672, MeSH D009386, MONDO:0015356.

Submission:

Ambry Genetics
Classification: Uncertain significance for Hereditary cancer-predisposing syndrome. Last evaluated: 2026-06-24. Review status: criteria provided, single submitter. Criteria: Ambry Variant Classification Scheme 2023. Collection method: clinical testing. Allele origin: germline.
Comment: The p.H163Y variant (also known as c.487C>T), located in coding exon 3 of the CHEK2 gene, results from a C to T substitution at nucleotide position 487. The histidine at codon 163 is replaced by tyrosine, an amino acid with similar properties. This amino acid position is conserved. In addition, the in silico prediction for this alteration is inconclusive. Based on the available evidence, the clinical significance of this variant remains unclear.